The following is an entry in ClinVar:

NM_012108.4(STAP1):c.173C>A (p.Thr58Asn)

Gene: STAP1 (signal transducing adaptor family member 1; plus strand). Cytogenetic location: 4q13.2.
Variant type: single nucleotide variant.
Coding change: c.173C>A on transcript NM_012108.4 (MANE Select); coding-DNA position 173, C replaced by A.
Protein change: p.Thr58Asn; replaces threonine 58 with asparagine.
Molecular consequence: missense variant.
Genome position (GRCh38, 1-based): chr4:67,571,136, C>A. VCF-style: chr4-67571136-C-A. GRCh37 (hg19) VCF-style: chr4-68436854-C-A.
Other names: c.173C>A, p.Thr58Asn (NM_001317769.2); short protein forms T58N.
Identifiers: ClinVar variation 3802141 (VCV003802141.1).

ClinVar aggregate classification (germline): Uncertain significance (1 of 4 stars; one submission).

Submission:

Ambry Genetics
Classification: Uncertain significance. Last evaluated: 2025-02-01. Review status: criteria provided, single submitter. Criteria: Ambry Variant Classification Scheme 2023. Collection method: clinical testing. Allele origin: germline.
Comment: The p.T58N variant (also known as c.173C>A), located in coding exon 2 of the STAP1 gene, results from a C to A substitution at nucleotide position 173. The threonine at codon 58 is replaced by asparagine, an amino acid with similar properties. This amino acid position is conserved. In addition, this alteration is predicted to be tolerated by in silico analysis. Based on the available evidence, the clinical significance of this variant remains unclear.